The following is an entry in ClinVar:

ClinVar aggregate classification (germline): Conflicting classifications of pathogenicity. Review status: criteria provided, conflicting classifications (1 of 4 stars). 6 submissions from 4 submitters: Uncertain significance (5); Likely benign (1). Last evaluated 2024-09-18.

Conditions:
Cone-rod dystrophy 13 (CORD13). Identifiers: Orphanet 1872, MedGen C2750720, MONDO:0011987, OMIM 608194.
Leber congenital amaurosis 6 (LCA6). Identifiers: Orphanet 65, MedGen C1854260, MONDO:0013446, OMIM 613826.

Allele frequency attached by ClinVar (database versions not stated): gnomAD exomes 0.00008 and 0.00026; gnomAD 0.00011; TOPMed 0.00016; ExAC 0.00018; 1000 Genomes Project 0.00020; 1000 Genomes Project 30x 0.00031.
gnomAD v4.1: 144 of 1,614,050 alleles (0.0089%); highest among the groups gnomAD compares: Admixed American, 0.092%; no homozygotes.

Submissions (6):

Blueprint Genetics
Classification: Likely benign. Last evaluated: 2024-09-18. Review status: criteria provided, single submitter. Criteria: ACMG Guidelines, 2015. Collection method: clinical testing. Allele origin: germline.

Labcorp Genetics (formerly Invitae), Labcorp
Classification: Uncertain significance for Leber congenital amaurosis 6; Cone-rod dystrophy 13. Last evaluated: 2022-10-24. Review status: criteria provided, single submitter. Criteria: Invitae Variant Classification Sherloc (09022015). Collection method: clinical testing. Allele origin: germline.
Comment: This sequence change replaces serine, which is neutral and polar, with leucine, which is neutral and non-polar, at codon 688 of the RPGRIP1 protein (p.Ser688Leu). This variant is present in population databases (rs543867152, gnomAD 0.1%). This variant has not been reported in the literature in individuals affected with RPGRIP1-related conditions. ClinVar contains an entry for this variant (Variation ID: 883035). Advanced modeling of protein sequence and biophysical properties (such as structural, functional, and spatial information, amino acid conservation, physicochemical variation, residue mobility, and thermodynamic stability) performed at Invitae indicates that this missense variant is expected to disrupt RPGRIP1 protein function. In summary, the available evidence is currently insufficient to determine the role of this variant in disease. Therefore, it has been classified as a Variant of Uncertain Significance.

Genome-Nilou Lab
Classification: Uncertain significance for Leber congenital amaurosis 6. Last evaluated: 2021-11-07. Review status: criteria provided, single submitter. Criteria: ACMG Guidelines, 2015. Collection method: clinical testing. Allele origin: germline. Affected: no.

Genome-Nilou Lab
Classification: Uncertain significance for Cone-rod dystrophy 13. Last evaluated: 2021-11-07. Review status: criteria provided, single submitter. Criteria: ACMG Guidelines, 2015. Collection method: clinical testing. Allele origin: germline. Affected: no.

Illumina Laboratory Services, Illumina
Classification: Uncertain significance for Cone-rod dystrophy 13. Last evaluated: 2018-01-12. Review status: criteria provided, single submitter. Criteria: ICSL Variant Classification Criteria 13 December 2019. Collection method: clinical testing. Allele origin: germline.

Illumina Laboratory Services, Illumina
Classification: Uncertain significance for Leber congenital amaurosis 6. Last evaluated: 2018-01-12. Review status: criteria provided, single submitter. Criteria: ICSL Variant Classification Criteria 13 December 2019. Collection method: clinical testing. Allele origin: germline.

NM_020366.4(RPGRIP1):c.2063C>T (p.Ser688Leu)

Gene: RPGRIP1 (RPGR interacting protein 1; plus strand). Cytogenetic location: 14q11.2.
Variant type: single nucleotide variant.
Coding change: c.2063C>T on transcript NM_020366.4 (MANE Select); coding-DNA position 2063, C replaced by T.
Protein change: p.Ser688Leu; replaces serine 688 with leucine.
Molecular consequence: missense variant. On other transcripts: intron variant (4).
Genome position (GRCh38, 1-based): chr14:21,324,918, C>T. VCF-style: chr14-21324918-C-T. GRCh37 (hg19) VCF-style: chr14-21793077-C-T.
Other names: c.989C>T, p.Ser330Leu (NM_001377948.1); c.796+193C>T (NM_001377949.1); c.689-2705C>T (NM_001377523.1, NM_001377950.1); c.191-2705C>T (NM_001377951.1); short protein forms S688L, S330L.
Identifiers: ClinVar variation 883035 (VCV000883035.11), dbSNP rs543867152, ClinGen allele CA7089145.